The following is an entry in ClinVar:

NM_005476.7(GNE):c.118G>A (p.Glu40Lys)

Gene: GNE (glucosamine (UDP-N-acetyl)-2-epimerase/N-acetylmannosamine kinase; minus strand). Cytogenetic location: 9p13.3.
Variant type: single nucleotide variant.
Coding change: c.118G>A on transcript NM_005476.7 (MANE Select); coding-DNA position 118, G replaced by A.
Protein change: p.Glu40Lys; replaces glutamic acid 40 with lysine.
Molecular consequence: missense variant. On other transcripts: intron variant (3).
Genome position (GRCh38, 1-based): chr9:36,249,238, C>T on the plus strand (G>A on the coding strand, the complement: GNE is on the minus strand). VCF-style: chr9-36249238-C-T. GRCh37 (hg19) VCF-style: chr9-36249235-C-T.
Other names: c.211G>A, p.Glu71Lys (NM_001128227.3); c.118G>A, p.Glu40Lys (NM_001190383.3, NM_001374797.1); c.-13-2756G>A (NM_001190388.2, NM_001190384.3, NM_001374798.1); short protein forms E40K, E71K.
Identifiers: ClinVar variation 2432220 (VCV002432220.6), dbSNP rs2489809741, ClinGen allele CA373421728.

ClinVar aggregate classification (germline): Uncertain significance. Review status: criteria provided, multiple submitters, no conflicts (2 of 4 stars). 2 submissions from 2 submitters: Uncertain significance (2). Last evaluated 2023-05-22.

Conditions:
Sialuria. Also called: Sialic Acid Storage Disease; SIALURIA, FRENCH TYPE. Identifiers: Orphanet 3166, MedGen C0342853, MONDO:0010028, OMIM 269921.
GNE myopathy (NM). Also called: IBM 2; Inclusion body myopathy autosomal recessive; Inclusion body myopathy quadriceps sparing; MYOPATHY, DISTAL, WITH OR WITHOUT RIMMED VACUOLES; NONAKA DISTAL MYOPATHY; INCLUSION BODY MYOPATHY, HEREDITARY, AUTOSOMAL RECESSIVE. Identifiers: Orphanet 602, MedGen C1853926, MONDO:0011603, OMIM 605820.

Submissions (2):

Labcorp Genetics (formerly Invitae), Labcorp
Classification: Uncertain significance for Sialuria; GNE myopathy. Last evaluated: 2023-05-22. Review status: criteria provided, single submitter. Criteria: Invitae Variant Classification Sherloc (09022015). Collection method: clinical testing. Allele origin: germline.
Comment: In summary, the available evidence is currently insufficient to determine the role of this variant in disease. Therefore, it has been classified as a Variant of Uncertain Significance. Advanced modeling of protein sequence and biophysical properties (such as structural, functional, and spatial information, amino acid conservation, physicochemical variation, residue mobility, and thermodynamic stability) has been performed at Invitae for this missense variant, however the output from this modeling did not meet the statistical confidence thresholds required to predict the impact of this variant on GNE protein function. ClinVar contains an entry for this variant (Variation ID: 2432220). This missense change has been observed in individual(s) with myopathy (PMID: 24027297). This variant is not present in population databases (gnomAD no frequency). This sequence change replaces glutamic acid, which is acidic and polar, with lysine, which is basic and polar, at codon 71 of the GNE protein (p.Glu71Lys).

Revvity Omics, Revvity
Classification: Uncertain significance. Last evaluated: 2022-04-05. Review status: criteria provided, single submitter. Criteria: ACMG Guidelines, 2015. Collection method: clinical testing. Allele origin: germline.

Literature cited by the submitters: PubMed 24027297 (cited by Labcorp Genetics (formerly Invitae), Labcorp).